The following is an entry in ClinVar:

NM_000535.7(PMS2):c.2446-20C>T

Gene: PMS2 (PMS1 homolog 2, mismatch repair system component; minus strand). Cytogenetic location: 7p22.1.
Variant type: single nucleotide variant.
Coding change: c.2446-20C>T on transcript NM_000535.7 (MANE Select); 20 bases into the intron before coding-DNA position 2446, C replaced by T.
Molecular consequence: intron variant.
Genome position (GRCh38, 1-based): chr7:5,973,562, G>A on the plus strand (C>T on the coding strand, the complement: PMS2 is on the minus strand). VCF-style: chr7-5973562-G-A. GRCh37 (hg19) VCF-style: chr7-6013193-G-A.
Other names: c.2128-20C>T (NM_001322008.2, NM_001406883.1, NM_001322007.2); c.2137-20C>T (NM_001406881.1, NM_001406879.1, NM_001322015.2 and 4 more transcripts); c.2041-20C>T (NM_001406895.1, NM_001322004.2, NM_001406889.1 and 11 more transcripts); c.1675-20C>T (NM_001406911.1); c.1885-20C>T (NM_001322010.2, NM_001406906.1, NM_001406907.1); c.1972-20C>T (NM_001406902.1, NM_001406901.1); c.1933-20C>T (NM_001406904.1, NM_001406905.1); c.1873-20C>T (NM_001322013.2, NM_001406908.1, NM_001406909.1); and 20 more.
Identifiers: ClinVar variation 2899538 (VCV002899538.4), dbSNP rs1781514389, ClinGen allele CA2713564445.
Genomic context (GRCh38, chr7:5,973,562, plus strand): 5'-TTCTTCATCTCGCTTGTGTTAAGAGCAGTCCCAATCATCACCTGAGTGTGAGACACAATG[G>A]TTCAACGTTTTAGTAGTTTTTTGACGTCAGAATGGCAGCTCTTCAGAAGCATTCTTCTCT-3'

ClinVar aggregate classification (germline): Likely benign. Review status: criteria provided, multiple submitters, no conflicts (2 of 4 stars). 2 submissions from 2 submitters: Likely benign (2). Last evaluated 2025-03-31.

Conditions:
Hereditary nonpolyposis colorectal neoplasms. Identifiers: MedGen C0009405, MeSH D003123.
Lynch syndrome 4 (LYNCH4). Also called: Colorectal cancer, hereditary nonpolyposis, type 4; Hereditary non-polyposis colorectal cancer, type 4. Identifiers: Orphanet 144, MedGen C1838333, MONDO:0013699, OMIM 614337. Disease mechanism: loss of function.

Submissions (2):

Labcorp Genetics (formerly Invitae), Labcorp
Classification: Likely benign for Hereditary nonpolyposis colorectal neoplasms. Last evaluated: 2025-03-31. Review status: criteria provided, single submitter. Criteria: Invitae Variant Classification Sherloc (09022015). Collection method: clinical testing. Allele origin: germline.

Myriad Genetics, Inc.
Classification: Likely benign for Lynch syndrome 4. Last evaluated: 2025-02-04. Review status: criteria provided, single submitter. Criteria: Myriad Autosomal Dominant, Autosomal Recessive and X-Linked Classification Criteria (2023). Collection method: clinical testing. Allele origin: unknown.
Comment: This variant is considered likely benign. This variant is intronic and is not expected to impact mRNA splicing.